The following is an entry in ClinVar:

NM_001377.3(DYNC2H1):c.9870del (p.Trp3290fs)

Gene: DYNC2H1 (dynein cytoplasmic 2 heavy chain 1; plus strand). Cytogenetic location: 11q22.3.
Variant type: Deletion.
Coding change: c.9870del on transcript NM_001377.3 (MANE Select); coding-DNA position 9870, one base deleted (G; older notation c.9870delG).
Protein change: p.Trp3290fs; shifts the reading frame from tryptophan 3290.
Molecular consequence: frameshift variant.
Genome position (GRCh38, 1-based): chr11:103,243,743, G deleted; the last of 2 consecutive G bases (chr11:103,243,742-103,243,743); deleting either gives the same sequence. VCF-style (leftmost placement, unchanged base first): chr11-103243741-TG-T. GRCh37 (hg19) VCF-style: chr11-103114470-TG-T.
Other names: c.9891del, p.Trp3297fs (NM_001080463.2); short protein forms W3290fs, W3297fs.
Identifiers: ClinVar variation 4886481 (VCV004886481.2).

ClinVar aggregate classification (germline): Likely pathogenic (1 of 4 stars; one submission).

Submission:

Dasa
Classification: Likely pathogenic. Last evaluated: 2026-03-11. Review status: criteria provided, single submitter. Criteria: DASA Assertion Criteria. Collection method: clinical testing. Allele origin: germline.
Comment: NM_001377.3(DYNC2H1):c.9870del (p.Trp3290Cysfs*2) is a frameshift variant in DYNC2H1 predicted to alter the reading frame and introduce a premature termination codon and is predicted to result in an absent or altered protein product. Loss of function is an established disease mechanism for DYNC2H1-associated disorders. Also, this variant is rare in population databases. Based on the currently available evidence, this variant is classified as likely pathogenic.